The following is an entry in ClinVar:

NM_206933.4(USH2A):c.4106C>T (p.Ser1369Leu)

Genes: USH2A (usherin; minus strand), USH2A-AS1 (USH2A antisense RNA 1; plus strand). Cytogenetic location: 1q41.
Variant type: single nucleotide variant.
Coding change: c.4106C>T on transcript NM_206933.4 (MANE Select); coding-DNA position 4106, C replaced by T.
Protein change: p.Ser1369Leu; replaces serine 1369 with leucine.
Molecular consequence: missense variant.
Genome position (GRCh38, 1-based): chr1:216,196,698, G>A on the plus strand (C>T on the coding strand, the complement: USH2A is on the minus strand). VCF-style: chr1-216196698-G-A. GRCh37 (hg19) VCF-style: chr1-216370040-G-A.
Other names: c.4106C>T (NM_007123.5, NM_206933.3); c.4106C>T, p.Ser1369Leu (NM_007123.6); short protein forms S1369L.
Identifiers: ClinVar variation 48511 (VCV000048511.64), dbSNP rs201709513, ClinGen allele CA143476.

ClinVar aggregate classification (germline): Conflicting classifications of pathogenicity. Review status: criteria provided, conflicting classifications (1 of 4 stars). 22 submissions from 21 submitters: Pathogenic (8); Likely pathogenic (9); Uncertain significance (4). 1 of the submissions does not count toward it. Last evaluated 2026-04-16.

Conditions:
Usher syndrome. Also called: Usher Syndromes; Usher's syndrome. Identifiers: Orphanet 886, MedGen CN469326, MeSH D052245, MONDO:0019501. Disease mechanism: loss of function.
Monogenic hearing loss.
USH2A-related disorder. Also called: USH2A-related disorders; USH2A-related condition. Identifiers: MedGen CN239332.
Autosomal recessive USH2A-related disorders.
Retinitis pigmentosa 39 (RP39). Identifiers: Orphanet 791, MedGen C3151138, MONDO:0013436, OMIM 613809.
Usher syndrome type 2A. Also called: USHER SYNDROME, TYPE IIA; RETINAL DISEASE IN USHER SYNDROME TYPE IIA, MODIFIER OF. Identifiers: Orphanet 231178, Orphanet 886, MedGen C1848634, MONDO:0010169, OMIM 276901.
Retinal dystrophy. Also called: Inherited retinal dystrophy. Identifiers: Orphanet 71862, MedGen C0854723, MeSH D058499, MONDO:0019118, HP:0000556.
Retinitis pigmentosa (RP). Identifiers: Orphanet 791, MedGen C0035334, MeSH D012174, MONDO:0019200, OMIM 268000. Inheritance: Autosomal dominant, autosomal recessive and X linked inheritance.
Retinal disorder. Also called: Retinopathies; Retinal Diseases; Retinal disorders; Retinopathy. Identifiers: MedGen C0035309, MONDO:0005283, HP:0000488.

Allele frequency attached by ClinVar (database versions not stated): ExAC 0.00013; ESP Exome Variant Server 0.00015; gnomAD exomes 0.00016 and 0.00031; gnomAD 0.00019; TOPMed 0.00028.
gnomAD v4.1: 475 of 1,613,146 alleles (0.029%); highest among the groups gnomAD compares: Non-Finnish European, 0.035%; no homozygotes.

Submissions 1 to 8 of 22:

PreventionGenetics, part of Exact Sciences
Classification: Likely pathogenic for USH2A-related condition. Last evaluated: 2026-04-16. Review status: criteria provided, single submitter. Criteria: ACMG Guidelines, 2015. Collection method: clinical testing. Allele origin: germline.
Comment: The USH2A c.4106C>T variant is predicted to result in the amino acid substitution p.Ser1369Leu. This variant has been reported in multiple unrelated patients with Usher syndrome or retinitis pigmentosa (Table S4, Pierrache et al. 2016. PubMed ID: 26927203; Dad et al. 2015. PubMed ID: 25804404; Comander et al. 2017. PubMed ID: 28981474; Wang et al. 2014. PubMed ID: 24154662; Colombo et al. 2015. PubMed ID: 26075083; Table S2, Zampaglione et al. 2020. PubMed ID: 32037395; Molina-Ramírez et al. 2020. PubMed ID: 32176120; Tables S5 and S7, Colombo et al. 2021. PubMed ID: 33576794). This variant has been reported in conjunction with a pathogenic USH2A variant in multiple individuals; however, segregation analysis to determine phase was not reported for all cases (Hariri et al. 2017. PubMed ID: 31047384; supplementary data, Yohe et al. 2019. PubMed ID: 31816670; Molina-Ramírez et al. 2020. PubMed ID: 32176120; Table S4, Colombo et al. 2021. PubMed ID: 33576794; Lynn et al. 2022. PubMed ID: 36672815; Table S4, Panneman et al. 2023. PubMed ID: 36819107). This variant was also shown to segregate with disease in siblings along with a second USH2A variant from two unrelated families with retinitis pigmentosa (Wang et al. 2013. PubMed ID: 24154662; Comander et al. 2017. PubMed ID: 28981474); however, parental studies were not conducted in either family and in one family, the two USH2A variants were found in cis (Supplementary Table 1, Comander et al. 2017. PubMed ID: 28981474). This variant is reported in 0.077% of alleles in individuals of Ashkenazi Jewish descent in gnomAD and has conflicting interpretations in ClinVar ranging from uncertain to pathogenic (Variation ID: 48511). This variant is interpreted as likely pathogenic.

Labcorp Genetics (formerly Invitae), Labcorp
Classification: Pathogenic. Last evaluated: 2026-01-22. Review status: criteria provided, single submitter. Criteria: Invitae Variant Classification Sherloc (09022015). Collection method: clinical testing. Allele origin: germline.
Comment: This sequence change replaces serine, which is neutral and polar, with leucine, which is neutral and non-polar, at codon 1369 of the USH2A protein (p.Ser1369Leu). This variant is present in population databases (rs201709513, gnomAD 0.08%). This missense change has been observed in individual(s) with USH2A-related disease (PMID: 20591486, 24154662, 26927203, 27957503, 31047384; internal data). In at least one individual the data is consistent with being in trans (on the opposite chromosome) from a pathogenic variant. It has also been observed to segregate with disease in related individuals. ClinVar contains an entry for this variant (Variation ID: 48511). Invitae Evidence Modeling of protein sequence and biophysical properties (such as structural, functional, and spatial information, amino acid conservation, physicochemical variation, residue mobility, and thermodynamic stability) indicates that this missense variant is not expected to disrupt USH2A protein function with a negative predictive value of 95%. Algorithms developed to predict the effect of sequence changes on RNA splicing suggest that this variant may disrupt the consensus splice site. For these reasons, this variant has been classified as Pathogenic.

3billion
Classification: Likely pathogenic for Retinitis pigmentosa 39. Last evaluated: 2026-01-09. Review status: criteria provided, single submitter. Criteria: ACMG Guidelines, 2015. Collection method: clinical testing. Allele origin: germline. Affected: yes.
Comment: The variant is observed at an extremely low frequency in the gnomAD v4.1.0 dataset (total allele frequency: 0.029%). Predicted Consequence/Location: Missense variant In silico tool prediction suggests damaging effect of the variant on gene or gene product [3Cnet: 0.78 (> 0.75, sensitivity 0.96 and precision 0.92)]. The same nucleotide change resulting in the same amino acid change has been previously reported as pathogenic/likely pathogenic with strong evidence (ClinVar ID: VCV000048511 /PMID: 16963483 /3billion dataset). Therefore, this variant is classified as Likely pathogenic according to the recommendation of ACMG/AMP guideline.

Variantyx, Inc.
Classification: Pathogenic for Autosomal recessive USH2A-related disorders. Last evaluated: 2025-12-08. Review status: criteria provided, single submitter. Criteria: Variantyx Assertion Criteria 2022. Collection method: clinical testing. Allele origin: germline. Inheritance: Autosomal recessive inheritance.
Comment: This is a nonsynonymous variant in the USH2A gene (OMIM: 608400). Pathogenic variants in this gene have been associated with autosomal recessive USH2A-related disorders. This variant has been identified in the homozygous or compound heterozygous state in many unrelated, affected individuals reported in the published literature (PMID: 31047384, 34781295, 36003347, 27957503) (PM3) and it has been observed to segregate with disease in at least 4 individuals from 2 families (PMID: 24154662, 28981474) (PP1_Moderate). This variant has a 0.0354% maximum allele frequency in non-founder control populations (PM2). Computational algorithms produce conflicting evidence regarding the predicted functional impact of this variant (REVEL score: 0.231). Based on the current evidence, this variant is classified as pathogenic for autosomal recessive USH2A-related disorders.

Genetics Laboratory, Great Ormond Street Hospital NHS Foundation Trust, North Thames Genomic Laboratory Hub
Classification: Pathogenic for Monogenic hearing loss. Last evaluated: 2025-09-12. Review status: criteria provided, single submitter. Criteria: ACGS Best Practice Guidelines for Variant Classification in Rare Disease 2024 v1.2. Collection method: clinical testing. Allele origin: germline. Affected: yes.
Comment: PM1_supporting, PP1_supporting, PM3_very-strong

Genetics Laboratory, Great Ormond Street Hospital NHS Foundation Trust, North Thames Genomic Laboratory Hub
Classification: Pathogenic for Retinal disorders. Last evaluated: 2025-09-12. Review status: criteria provided, single submitter. Criteria: ACGS Best Practice Guidelines for Variant Classification in Rare Disease 2024 v1.2. Collection method: clinical testing. Allele origin: germline. Affected: yes.
Comment: the same text as in the submission from Genetics Laboratory, Great Ormond Street Hospital NHS Foundation Trust, North Thames Genomic Laboratory Hub above.

Victorian Clinical Genetics Services, Murdoch Childrens Research Institute
Classification: Pathogenic for Usher syndrome type 2A. Last evaluated: 2025-07-11. Review status: criteria provided, single submitter. Criteria: ACMG Guidelines, 2015. Collection method: clinical testing. Allele origin: germline. Affected: no.
Comment: This variant is classified as Pathogenic. Evidence in support of pathogenic classification: Variant is present in gnomAD <0.01 for a recessive condition (v4: 475 heterozygote(s), 0 homozygote(s)); This variant has strong previous evidence of pathogenicity in unrelated individuals. This variant has been classified as pathogenic and likely pathogenic by multiple clinical laboratories (ClinVar). This variant has been reported in individuals affected with Usher syndrome and retinitis pigmentosa (PMIDs: 27957503, 36003347, 24154662, 25472526, 34781295). Evidence in support of benign classification: Same amino acid change has been observed in placental mammals. Additional information: Variant is predicted to result in a missense amino acid change from Ser to Leu; This variant is heterozygous; This gene is associated with autosomal recessive disease; No comparable missense variants have previous evidence for pathogenicity; Variant is located in the annotated fibronectin type III domain (DECIPHER). - Loss of function is a known mechanism of disease in this gene and is associated with Usher syndrome, type 2A (MIM#276901) and retinitis pigmentosa (RP; MIM#6138093). Null variants are associated with Usher syndrome, while homozygous missense variants which lead to partially functional proteins typically cause non-syndromic RP (PMID: 20301515).

Blueprint Genetics
Classification: Pathogenic for USH2A-related disorders. Last evaluated: 2024-11-25. Review status: criteria provided, single submitter. Criteria: ACMG Guidelines, 2015. Collection method: clinical testing. Allele origin: germline. Affected: yes. Observed: 5 variant alleles.